The following is an entry in ClinVar:

NM_172107.4(KCNQ2):c.*5915C>T

Gene: KCNQ2 (potassium voltage-gated channel subfamily Q member 2; minus strand). Cytogenetic location: 20q13.33.
Variant type: single nucleotide variant.
Coding change: c.*5915C>T on transcript NM_172107.4 (MANE Select); 5915 bases downstream of the stop codon, C replaced by T.
Molecular consequence: 3 prime UTR variant.
Genome position (GRCh38, 1-based): chr20:63,400,729, G>A on the plus strand (C>T on the coding strand, the complement: KCNQ2 is on the minus strand). VCF-style: chr20-63400729-G-A. GRCh37 (hg19) VCF-style: chr20-62032082-G-A.
Other names: c.*5915C>T (NM_001382235.1, NM_004518.6, NM_172106.3 and 1 more transcripts).
Identifiers: ClinVar variation 2652528 (VCV002652528.24), dbSNP rs377214515, ClinGen allele CA317414883.
Genomic context (GRCh38, chr20:63,400,729, plus strand): 5'-GGCCAGAGGATGGCAGACTGCAATGGCGTGGGGCGCGGGCATGGCGGGCACACGTGGGCC[G>A]TGTGGATCCCGGGCAGAGGGATGGCGTCCAGCGGGACCACCAGCTCTGGGCGCCTCAGTG-3'

ClinVar aggregate classification (germline): Benign (1 of 4 stars; one submission).

Allele frequency attached by ClinVar (database versions not stated): gnomAD exomes 0.00012; 1000 Genomes Project 0.00040; 1000 Genomes Project 30x 0.00047; gnomAD 0.00066; TOPMed 0.00066.
gnomAD v4.1: 134 of 398,582 alleles (0.034%); highest among the groups gnomAD compares: African/African-American, 0.24%; no homozygotes.

Submission:

CeGaT Center for Human Genetics Tuebingen
Classification: Benign. Last evaluated: 2022-10-01. Review status: criteria provided, single submitter. Criteria: CeGaT Center For Human Genetics Tuebingen Variant Classification Criteria Version 2. Collection method: clinical testing. Allele origin: germline. Affected: yes. Observed: 1 variant allele.
Comment: KCNQ2: BS1, BS2